The following is an entry in ClinVar:

ClinVar aggregate classification (germline): Conflicting classifications of pathogenicity. Review status: criteria provided, conflicting classifications (1 of 4 stars). 3 submissions from 3 submitters: Uncertain significance (2); Likely benign (1). Last evaluated 2024-06-20.

Conditions:
Intellectual developmental disorder, autosomal recessive 65. Also called: Intellectual disability, autosomal recessive 65; MENTAL RETARDATION, AUTOSOMAL RECESSIVE 65. Identifiers: MedGen C4748219, MONDO:0020850, OMIM 618109.

Allele frequency attached by ClinVar (database versions not stated): ExAC 0.00035; gnomAD 0.00086 and 0.00088; ESP Exome Variant Server 0.00092; TOPMed 0.00106; 1000 Genomes Project 0.00180; 1000 Genomes Project 30x 0.00187; gnomAD exomes 0.00027 and 0.00008.
gnomAD v4.1: 258 of 1,613,984 alleles (0.016%); highest among the groups gnomAD compares: African/African-American, 0.28%; no homozygotes.

Submissions (3):

GeneDx
Classification: Uncertain significance. Last evaluated: 2024-06-20. Review status: criteria provided, single submitter. Criteria: GeneDx Variant Classification Process June 2021. Collection method: clinical testing. Allele origin: germline. Affected: yes.
Comment: In silico analysis indicates that this missense variant does not alter protein structure/function; In silico analysis is inconclusive as to whether the variant alters gene splicing. In the absence of RNA/functional studies, the actual effect of this sequence change is unknown.; Has not been previously published as pathogenic or benign to our knowledge

Baylor Genetics
Classification: Uncertain significance for Intellectual developmental disorder, autosomal recessive 65. Last evaluated: 2018-11-15. Review status: criteria provided, single submitter. Criteria: ACMG Guidelines, 2015. Collection method: clinical testing. Allele origin: paternal. Affected: yes.
Comment: This variant was determined to be of uncertain significance according to ACMG Guidelines, 2015 [PMID:25741868].

Labcorp Genetics (formerly Invitae), Labcorp
Classification: Likely benign. Last evaluated: 2018-07-26. Review status: criteria provided, single submitter. Criteria: Invitae Variant Classification Sherloc (09022015). Collection method: clinical testing. Allele origin: germline.

NM_006618.5(KDM5B):c.2320A>G (p.Lys774Glu)

Gene: KDM5B (lysine demethylase 5B; minus strand). Cytogenetic location: 1q32.1.
Variant type: single nucleotide variant.
Coding change: c.2320A>G on transcript NM_006618.5 (MANE Select); coding-DNA position 2320, A replaced by G.
Protein change: p.Lys774Glu; replaces lysine 774 with glutamic acid.
Molecular consequence: missense variant.
Genome position (GRCh38, 1-based): chr1:202,745,861, T>C on the plus strand (A>G on the coding strand, the complement: KDM5B is on the minus strand). VCF-style: chr1-202745861-T-C. GRCh37 (hg19) VCF-style: chr1-202714989-T-C.
Other names: c.2428A>G, p.Lys810Glu (NM_001314042.2); c.2185A>G, p.Lys729Glu (NM_001347591.2); c.2305A>G, p.Lys769Glu (NM_001399817.1); short protein forms K729E, K810E, K774E, K769E.
Identifiers: ClinVar variation 727824 (VCV000727824.6), dbSNP rs141191327, ClinGen allele CA1334481.
Genomic context (GRCh38, chr1:202,745,861, plus strand): 5'-CTACATCACAATAAGCCCCAATTTGCCAATCACCAAGTCACTTTCTGTATCACATACTTT[T>C]CTTCTTGTTGATCTTTGCCTCCAAAGCTTCATTCACATTCAAGGCCCATTCGTTGTAAGA-3'
Protein context (NP_006609.3, residues 764-784): EALEAKINKK[Lys774Glu]SLVSFKALIE